The following is an entry in ClinVar:

ClinVar aggregate classification (germline): Uncertain significance (1 of 4 stars; one submission).

Conditions:
Nephronophthisis. Also called: Juvenile Nephronophthisis. Identifiers: Orphanet 655, MedGen C0687120, MONDO:0019005, HP:0000090.
Jeune thoracic dystrophy. Also called: Jeune syndrome; Infantile thoracic dystrophy; Thoracic pelvic phalangeal dystrophy; Jeune's syndrome; Chondroectodermal dysplasia-like syndrome; Short-rib thoracic dysplasia. Identifiers: Orphanet 474, MedGen C0265275, MONDO:0018770.

Submission:

Labcorp Genetics (formerly Invitae), Labcorp
Classification: Uncertain significance for Jeune thoracic dystrophy; Nephronophthisis. Last evaluated: 2022-02-09. Review status: criteria provided, single submitter. Criteria: Invitae Variant Classification Sherloc (09022015). Collection method: clinical testing. Allele origin: germline.
Comment: This variant has not been reported in the literature in individuals affected with TTC21B-related conditions. Algorithms developed to predict the effect of missense changes on protein structure and function are either unavailable or do not agree on the potential impact of this missense change (SIFT: "Tolerated"; PolyPhen-2: "Probably Damaging"; Align-GVGD: "Class C0"). In summary, the available evidence is currently insufficient to determine the role of this variant in disease. Therefore, it has been classified as a Variant of Uncertain Significance. This sequence change replaces asparagine, which is neutral and polar, with threonine, which is neutral and polar, at codon 1062 of the TTC21B protein (p.Asn1062Thr). This variant is not present in population databases (gnomAD no frequency).

NM_024753.5(TTC21B):c.3185A>C (p.Asn1062Thr)

Gene: TTC21B (tetratricopeptide repeat domain 21B; minus strand). Cytogenetic location: 2q24.3.
Variant type: single nucleotide variant.
Coding change: c.3185A>C on transcript NM_024753.5 (MANE Select); coding-DNA position 3185, A replaced by C.
Protein change: p.Asn1062Thr; replaces asparagine 1062 with threonine.
Molecular consequence: missense variant.
Genome position (GRCh38, 1-based): chr2:165,890,557, T>G on the plus strand (A>C on the coding strand, the complement: TTC21B is on the minus strand). VCF-style: chr2-165890557-T-G. GRCh37 (hg19) VCF-style: chr2-166747067-T-G.
Other names: short protein forms N1062T.
Identifiers: ClinVar variation 1427014 (VCV001427014.8), dbSNP rs1477708117, ClinGen allele CA349048004.
Genomic context (GRCh38, chr2:165,890,557, plus strand): 5'-TTTTCAAATACTTCACCTCCAACAGTTTCATTATCTGGATTCAAACAGATCTCTATCATA[T>G]TATAAAGGGCATTTTGGCCCCAGTCACGATCTTTCCGAGCTTTATTAAAATGTCGAAGGG-3'
Protein context (NP_079029.3, residues 1052-1072): DRDWGQNALY[Asn1062Thr]MIEICLNPDN